The following is an entry in ClinVar:

NM_000089.4(COL1A2):c.3029A>G (p.Glu1010Gly)

Gene: COL1A2 (collagen type I alpha 2 chain; plus strand). Cytogenetic location: 7q21.3.
Variant type: single nucleotide variant.
Coding change: c.3029A>G on transcript NM_000089.4 (MANE Select); coding-DNA position 3029, A replaced by G.
Protein change: p.Glu1010Gly; replaces glutamic acid 1010 with glycine.
Molecular consequence: missense variant.
Genome position (GRCh38, 1-based): chr7:94,426,454, A>G. VCF-style: chr7-94426454-A-G. GRCh37 (hg19) VCF-style: chr7-94055766-A-G.
Other names: short protein forms E1010G.
Identifiers: ClinVar variation 4869137 (VCV004869137.1).

ClinVar aggregate classification (germline): Uncertain significance (1 of 4 stars; one submission).

Conditions:
Cardiovascular phenotype. Identifiers: MedGen CN230736.

Submission:

Ambry Genetics
Classification: Uncertain significance for Cardiovascular phenotype. Last evaluated: 2026-05-24. Review status: criteria provided, single submitter. Criteria: Ambry Variant Classification Scheme 2023. Collection method: clinical testing. Allele origin: germline.
Comment: The p.E1010G variant (also known as c.3029A>G), located in coding exon 46 of the COL1A2 gene, results from an A to G substitution at nucleotide position 3029. The glutamic acid at codon 1010 is replaced by glycine, an amino acid with similar properties. This amino acid position is conserved. In addition, the in silico prediction for this alteration is inconclusive. Based on the available evidence, the clinical significance of this variant remains unclear.